The following is an entry in ClinVar:

ClinVar aggregate classification (germline): Uncertain significance (1 of 4 stars; one submission).

Conditions:
Hereditary cancer-predisposing syndrome. Also called: Neoplastic Syndromes, Hereditary; Tumor predisposition; Hereditary neoplastic syndrome; Hereditary Cancer Syndrome. Identifiers: Orphanet 140162, MedGen C0027672, MeSH D009386, MONDO:0015356.

Submission:

Ambry Genetics
Classification: Uncertain significance for Hereditary cancer-predisposing syndrome. Last evaluated: 2023-02-15. Review status: criteria provided, single submitter. Criteria: Ambry Variant Classification Scheme 2023. Collection method: clinical testing. Allele origin: germline.
Comment: The p.S85A variant (also known as c.253T>G), located in coding exon 3 of the BRIP1 gene, results from a T to G substitution at nucleotide position 253. The serine at codon 85 is replaced by alanine, an amino acid with similar properties. This amino acid position is conserved. In addition, this alteration is predicted to be tolerated by in silico analysis. Since supporting evidence is limited at this time, the clinical significance of this alteration remains unclear.

NM_032043.3(BRIP1):c.253T>G (p.Ser85Ala)

Gene: BRIP1 (BRCA1 interacting DNA helicase 1; minus strand). Cytogenetic location: 17q23.2.
Variant type: single nucleotide variant.
Coding change: c.253T>G on transcript NM_032043.3 (MANE Select); coding-DNA position 253, T replaced by G.
Protein change: p.Ser85Ala; replaces serine 85 with alanine.
Molecular consequence: missense variant.
Genome position (GRCh38, 1-based): chr17:61,857,184, A>C on the plus strand (T>G on the coding strand, the complement: BRIP1 is on the minus strand). VCF-style: chr17-61857184-A-C. GRCh37 (hg19) VCF-style: chr17-59934545-A-C.
Other names: short protein forms S85A.
Identifiers: ClinVar variation 2449941 (VCV002449941.2), dbSNP rs2145830182, ClinGen allele CA400485526.